The following is an entry in ClinVar:

NM_005431.2(XRCC2):c.122-13A>T

Gene: XRCC2 (X-ray repair cross complementing 2; minus strand). Cytogenetic location: 7q36.1.
Variant type: single nucleotide variant.
Coding change: c.122-13A>T on transcript NM_005431.2 (MANE Select); 13 bases into the intron before coding-DNA position 122, A replaced by T.
Molecular consequence: intron variant.
Genome position (GRCh38, 1-based): chr7:152,649,376, T>A on the plus strand (A>T on the coding strand, the complement: XRCC2 is on the minus strand). VCF-style: chr7-152649376-T-A. GRCh37 (hg19) VCF-style: chr7-152346461-T-A.
Identifiers: ClinVar variation 388415 (VCV000388415.1), dbSNP rs1057523098, ClinGen allele CA16605306.
Genomic context (GRCh38, chr7:152,649,376, plus strand): 5'-TTTCTGTTTTTCCTGTTCCTTCTGGGCCATGAAATTCAAGAATATCACCTGTGTAAAATT[T>A]AAAAATCTCAGTCAAAATGCAGTAGCTCAAGGGTAGGTTACAAAATGCAAAGTCTGCAAA-3'

ClinVar aggregate classification (germline): Likely benign (1 of 4 stars; one submission).

Allele frequency attached by ClinVar (database versions not stated): gnomAD exomes below 0.00001.
gnomAD v4.1: 1 of 1,542,578 alleles (0.000065%); highest among the groups gnomAD compares: Non-Finnish European, 0.000087%; no homozygotes.

Submission:

GeneDx
Classification: Likely benign. Last evaluated: 2016-08-04. Review status: criteria provided, single submitter. Criteria: GeneDx Variant Classification (06012015). Collection method: clinical testing. Allele origin: germline. Affected: yes.
Comment: This variant is considered likely benign or benign based on one or more of the following criteria: it is a conservative change, it occurs at a poorly conserved position in the protein, it is predicted to be benign by multiple in silico algorithms, and/or has population frequency not consistent with disease.